The following is an entry in ClinVar:

NM_000552.5(VWF):c.3379+10G>A

Gene: VWF (von Willebrand factor; minus strand). Cytogenetic location: 12p13.31.
Variant type: single nucleotide variant.
Coding change: c.3379+10G>A on transcript NM_000552.5 (MANE Select); 10 bases into the intron after coding-DNA position 3379, G replaced by A.
Molecular consequence: intron variant.
Genome position (GRCh38, 1-based): chr12:6,023,621, C>T on the plus strand (G>A on the coding strand, the complement: VWF is on the minus strand). VCF-style: chr12-6023621-C-T. GRCh37 (hg19) VCF-style: chr12-6132787-C-T.
Other names: p.?.
Identifiers: ClinVar variation 1338007 (VCV001338007.6), dbSNP rs377317762, ClinGen allele CA6402764.

ClinVar aggregate classification (germline): Likely benign. Review status: criteria provided, multiple submitters, no conflicts (2 of 4 stars). 3 submissions from 3 submitters: Likely benign (3). Last evaluated 2025-04-17.

Allele frequency attached by ClinVar (database versions not stated): ExAC 0.00003; gnomAD 0.00003 and 0.00004; gnomAD exomes 0.00003 and 0.00007; TOPMed 0.00005; ESP Exome Variant Server 0.00008.
gnomAD v4.1: 105 of 1,613,576 alleles (0.0065%); highest among the groups gnomAD compares: Middle Eastern, 0.016%; no homozygotes.

Submissions (3):

Mayo Clinic Laboratories, Mayo Clinic
Classification: Likely benign. Last evaluated: 2025-04-17. Review status: criteria provided, single submitter. Criteria: ACMG Guidelines, 2015. Collection method: clinical testing. Allele origin: germline. Observed: 1 variant allele.
Comment: BP4, BP7

Blueprint Genetics
Classification: Likely benign. Last evaluated: 2024-10-16. Review status: criteria provided, single submitter. Criteria: ACMG Guidelines, 2015. Collection method: clinical testing. Allele origin: germline.

Genetic Services Laboratory, University of Chicago
Classification: Likely benign. Last evaluated: 2021-07-26. Review status: criteria provided, single submitter. Criteria: ACMG Guidelines, 2015. Collection method: clinical testing. Allele origin: germline. Affected: no.